The following is an entry in ClinVar:

ClinVar aggregate classification (germline): Uncertain significance. Review status: criteria provided, multiple submitters, no conflicts (2 of 4 stars). 2 submissions from 2 submitters: Uncertain significance (2). Last evaluated 2024-11-24.

Conditions:
Cardiovascular phenotype. Identifiers: MedGen CN230736.
RASopathy. Also called: Noonan spectrum disorder; rasopathies. Identifiers: Orphanet 536391, MedGen C5555857, MONDO:0021060.

Allele frequency attached by ClinVar (database versions not stated): gnomAD 0.00001; TOPMed 0.00002.
gnomAD v4.1: 2 of 1,612,286 alleles (0.00012%); highest among the groups gnomAD compares: African/African-American, 0.0027%; no homozygotes.

Submissions (2):

Labcorp Genetics (formerly Invitae), Labcorp
Classification: Uncertain significance for RASopathy. Last evaluated: 2024-11-24. Review status: criteria provided, single submitter. Criteria: Invitae Variant Classification Sherloc (09022015). Collection method: clinical testing. Allele origin: germline.
Comment: This sequence change replaces alanine, which is neutral and non-polar, with aspartic acid, which is acidic and polar, at codon 672 of the CBL protein (p.Ala672Asp). This variant is not present in population databases (gnomAD no frequency). This variant has not been reported in the literature in individuals affected with CBL-related conditions. ClinVar contains an entry for this variant (Variation ID: 2913993). Invitae Evidence Modeling of protein sequence and biophysical properties (such as structural, functional, and spatial information, amino acid conservation, physicochemical variation, residue mobility, and thermodynamic stability) indicates that this missense variant is not expected to disrupt CBL protein function with a negative predictive value of 95%. In summary, the available evidence is currently insufficient to determine the role of this variant in disease. Therefore, it has been classified as a Variant of Uncertain Significance.

Ambry Genetics
Classification: Uncertain significance for Cardiovascular phenotype. Last evaluated: 2024-02-06. Review status: criteria provided, single submitter. Criteria: Ambry Variant Classification Scheme 2023. Collection method: clinical testing. Allele origin: germline.
Comment: The p.A672D variant (also known as c.2015C>A), located in coding exon 12 of the CBL gene, results from a C to A substitution at nucleotide position 2015. The alanine at codon 672 is replaced by aspartic acid, an amino acid with dissimilar properties. This amino acid position is conserved. In addition, the in silico prediction for this alteration is inconclusive. Based on the available evidence, the clinical significance of this alteration remains unclear.

NM_005188.4(CBL):c.2015C>A (p.Ala672Asp)

Gene: CBL (Cbl proto-oncogene; plus strand). Cytogenetic location: 11q23.3.
Variant type: single nucleotide variant.
Coding change: c.2015C>A on transcript NM_005188.4 (MANE Select); coding-DNA position 2015, C replaced by A.
Protein change: p.Ala672Asp; replaces alanine 672 with aspartic acid.
Molecular consequence: missense variant.
Genome position (GRCh38, 1-based): chr11:119,287,925, C>A. VCF-style: chr11-119287925-C-A. GRCh37 (hg19) VCF-style: chr11-119158635-C-A.
Other names: c.2015C>A (NM_005188.2); short protein forms A672D.
Identifiers: ClinVar variation 2913993 (VCV002913993.4), dbSNP rs1352442106, ClinGen allele CA382922786.
Genomic context (GRCh38, chr11:119,287,925, plus strand): 5'-GCCCATTAGTAGGTCCAGAGTGTGACCACCCCAAAATCAAACCTTCCTCATCTGCCAATG[C>A]CATTTATTCTCTGGCTGCCAGGTAAGTCTGCTAAAGCTATATTTTGTACAGTGGAGTTGT-3'
Protein context (NP_005179.2, residues 662-682): PKIKPSSSAN[Ala672Asp]IYSLAARPLP